The following is an entry in ClinVar:

ClinVar aggregate classification (germline): Uncertain significance (1 of 4 stars; one submission).

Allele frequency attached by ClinVar (database versions not stated): gnomAD exomes below 0.00001; TOPMed 0.00002.
gnomAD v4.1: 5 of 1,614,186 alleles (0.00031%); highest among the groups gnomAD compares: South Asian, 0.0022%; no homozygotes.

Submission:

Labcorp Genetics (formerly Invitae), Labcorp
Classification: Uncertain significance. Last evaluated: 2024-05-22. Review status: criteria provided, single submitter. Criteria: Invitae Variant Classification Sherloc (09022015). Collection method: clinical testing. Allele origin: germline.
Comment: This sequence change replaces aspartic acid, which is acidic and polar, with asparagine, which is neutral and polar, at codon 189 of the MTHFS protein (p.Asp189Asn). This variant is present in population databases (no rsID available, gnomAD 0.003%). This variant has not been reported in the literature in individuals affected with MTHFS-related conditions. ClinVar contains an entry for this variant (Variation ID: 1974883). An algorithm developed to predict the effect of missense changes on protein structure and function (PolyPhen-2) suggests that this variant is likely to be disruptive. In summary, the available evidence is currently insufficient to determine the role of this variant in disease. Therefore, it has been classified as a Variant of Uncertain Significance.

NM_006441.4(MTHFS):c.565G>A (p.Asp189Asn)

Genes: MTHFS (methenyltetrahydrofolate synthetase; minus strand), ST20-MTHFS (ST20-MTHFS readthrough; minus strand). Cytogenetic location: 15q25.1.
Variant type: single nucleotide variant.
Coding change: c.565G>A on transcript NM_006441.4 (MANE Select); coding-DNA position 565, G replaced by A.
Protein change: p.Asp189Asn; replaces aspartic acid 189 with asparagine.
Molecular consequence: missense variant. On other transcripts: non-coding transcript variant (1).
Genome position (GRCh38, 1-based): chr15:79,845,257, C>T on the plus strand (G>A on the coding strand, the complement: MTHFS is on the minus strand). VCF-style: chr15-79845257-C-T. GRCh37 (hg19) VCF-style: chr15-80137599-C-T.
Other names: c.493G>A, p.Asp165Asn (NM_001199760.2); c.394G>A, p.Asp132Asn (NM_001199758.1); short protein forms D132N, D165N, D189N.
Identifiers: ClinVar variation 1974883 (VCV001974883.5), dbSNP rs964704236, ClinGen allele CA274238710.